The following is an entry in ClinVar:

ClinVar aggregate classification (germline): Uncertain significance (1 of 4 stars; one submission).

Conditions:
Jeune thoracic dystrophy. Also called: Jeune syndrome; Infantile thoracic dystrophy; Thoracic pelvic phalangeal dystrophy; Jeune's syndrome; Chondroectodermal dysplasia-like syndrome; Short-rib thoracic dysplasia. Identifiers: Orphanet 474, MedGen C0265275, MONDO:0018770.

Allele frequency attached by ClinVar (database versions not stated): TOPMed below 0.00001; gnomAD 0.00001; gnomAD exomes 0.00001; ExAC 0.00003; ESP Exome Variant Server 0.00009.

Submission:

Labcorp Genetics (formerly Invitae), Labcorp
Classification: Uncertain significance for Jeune thoracic dystrophy. Last evaluated: 2022-06-20. Review status: criteria provided, single submitter. Criteria: Invitae Variant Classification Sherloc (09022015). Collection method: clinical testing. Allele origin: germline.
Comment: This sequence change replaces arginine, which is basic and polar, with lysine, which is basic and polar, at codon 3912 of the DYNC2H1 protein (p.Arg3912Lys). The frequency data for this variant in the population databases is considered unreliable, as metrics indicate poor data quality at this position in the gnomAD database. This variant has not been reported in the literature in individuals affected with DYNC2H1-related conditions. Advanced modeling of protein sequence and biophysical properties (such as structural, functional, and spatial information, amino acid conservation, physicochemical variation, residue mobility, and thermodynamic stability) performed at Invitae indicates that this missense variant is not expected to disrupt DYNC2H1 protein function. In summary, the available evidence is currently insufficient to determine the role of this variant in disease. Therefore, it has been classified as a Variant of Uncertain Significance.

NM_001377.3(DYNC2H1):c.11714G>A (p.Arg3905Lys)

Gene: DYNC2H1 (dynein cytoplasmic 2 heavy chain 1; plus strand). Cytogenetic location: 11q22.3.
Variant type: single nucleotide variant.
Coding change: c.11714G>A on transcript NM_001377.3 (MANE Select); coding-DNA position 11714, G replaced by A.
Protein change: p.Arg3905Lys; replaces arginine 3905 with lysine.
Molecular consequence: missense variant.
Genome position (GRCh38, 1-based): chr11:103,316,609, G>A. VCF-style: chr11-103316609-G-A. GRCh37 (hg19) VCF-style: chr11-103187338-G-A.
Other names: c.11735G>A, p.Arg3912Lys (NM_001080463.2); short protein forms R3905K, R3912K.
Identifiers: ClinVar variation 1358294 (VCV001358294.5), dbSNP rs367559900, ClinGen allele CA6255350.